The following is an entry in ClinVar:

NM_170675.5(MEIS2):c.1093C>T (p.Pro365Ser)

Gene: MEIS2 (Meis homeobox 2; minus strand). Cytogenetic location: 15q14.
Variant type: single nucleotide variant.
Coding change: c.1093C>T on transcript NM_170675.5 (MANE Select); coding-DNA position 1093, C replaced by T.
Protein change: p.Pro365Ser; replaces proline 365 with serine.
Molecular consequence: missense variant. On other transcripts: non-coding transcript variant (1).
Genome position (GRCh38, 1-based): chr15:36,895,205, G>A on the plus strand (C>T on the coding strand, the complement: MEIS2 is on the minus strand). VCF-style: chr15-36895205-G-A. GRCh37 (hg19) VCF-style: chr15-37187406-G-A.
Other names: c.1072C>T, p.Pro358Ser (NM_001220482.2, NM_170674.5, NM_170676.5); c.1033C>T, p.Pro345Ser (NM_002399.4); c.1093C>T, p.Pro365Ser (NM_170677.5); c.1054C>T, p.Pro352Ser (NM_172315.3); c.808C>T, p.Pro270Ser (NM_172316.3); short protein forms P270S, P345S, P352S, P358S, P365S.
Identifiers: ClinVar variation 3602203 (VCV003602203.1).

ClinVar aggregate classification (germline): Uncertain significance (1 of 4 stars; one submission).

Submission:

GeneDx
Classification: Uncertain significance. Last evaluated: 2024-07-31. Review status: criteria provided, single submitter. Criteria: GeneDx Variant Classification Process June 2021. Collection method: clinical testing. Allele origin: germline. Affected: yes.
Comment: Not observed at significant frequency in large population cohorts (gnomAD); In silico analysis supports that this missense variant has a deleterious effect on protein structure/function; Has not been previously published as pathogenic or benign to our knowledge